The following is an entry in ClinVar:

ClinVar aggregate classification (germline): Uncertain significance. Review status: criteria provided, multiple submitters, no conflicts (2 of 4 stars). 2 submissions from 2 submitters: Uncertain significance (2). Last evaluated 2024-05-17.

Conditions:
Neonatal diabetes mellitus with congenital hypothyroidism. Also called: NDH SYNDROME. Identifiers: Orphanet 79118, MedGen C1857775, MONDO:0012436, OMIM 610199.

Allele frequency attached by ClinVar (database versions not stated): gnomAD 0.00028; TOPMed 0.00032; ESP Exome Variant Server 0.00046.
gnomAD v4.1: 82 of 1,613,708 alleles (0.0051%); highest among the groups gnomAD compares: African/African-American, 0.1%; no homozygotes.

Submissions (2):

Fulgent Genetics
Classification: Uncertain significance for Neonatal diabetes mellitus with congenital hypothyroidism. Last evaluated: 2024-05-17. Review status: criteria provided, single submitter. Criteria: ACMG Guidelines, 2015. Collection method: clinical testing. Allele origin: germline.

Labcorp Genetics (formerly Invitae), Labcorp
Classification: Uncertain significance. Last evaluated: 2022-08-19. Review status: criteria provided, single submitter. Criteria: Invitae Variant Classification Sherloc (09022015). Collection method: clinical testing. Allele origin: germline.
Comment: This variant has not been reported in the literature in individuals affected with GLIS3-related conditions. This variant is present in population databases (rs138251243, gnomAD 0.07%). This sequence change replaces valine, which is neutral and non-polar, with phenylalanine, which is neutral and non-polar, at codon 3 of the GLIS3 protein (p.Val3Phe). Algorithms developed to predict the effect of missense changes on protein structure and function are either unavailable or do not agree on the potential impact of this missense change (SIFT: "Deleterious"; PolyPhen-2: "Probably Damaging"; Align-GVGD: "Class C0"). In summary, the available evidence is currently insufficient to determine the role of this variant in disease. Therefore, it has been classified as a Variant of Uncertain Significance.

NM_001042413.2(GLIS3):c.472G>T (p.Val158Phe)

Gene: GLIS3 (GLIS family zinc finger 3; minus strand). Cytogenetic location: 9p24.2.
Variant type: single nucleotide variant.
Coding change: c.472G>T on transcript NM_001042413.2 (MANE Select); coding-DNA position 472, G replaced by T.
Protein change: p.Val158Phe; replaces valine 158 with phenylalanine.
Molecular consequence: missense variant.
Genome position (GRCh38, 1-based): chr9:4,125,858, C>A on the plus strand (G>T on the coding strand, the complement: GLIS3 is on the minus strand). VCF-style: chr9-4125858-C-A. GRCh37 (hg19) VCF-style: chr9-4125858-C-A.
Other names: c.7G>T, p.Val3Phe (NM_152629.4); short protein forms V158F, V3F.
Identifiers: ClinVar variation 2175743 (VCV002175743.3), dbSNP rs138251243, ClinGen allele CA4968526.